The following is an entry in ClinVar:

NM_000485.3(APRT):c.406A>G (p.Met136Val)

Gene: APRT (adenine phosphoribosyltransferase; minus strand). Cytogenetic location: 16q24.3.
Variant type: single nucleotide variant.
Coding change: c.406A>G on transcript NM_000485.3 (MANE Select); coding-DNA position 406, A replaced by G.
Protein change: p.Met136Val; replaces methionine 136 with valine.
Molecular consequence: missense variant. On other transcripts: intron variant (1).
Genome position (GRCh38, 1-based): chr16:88,809,835, T>C on the plus strand (A>G on the coding strand, the complement: APRT is on the minus strand). VCF-style: chr16-88809835-T-C. GRCh37 (hg19) VCF-style: chr16-88876243-T-C.
Other names: c.401-129A>G (NM_001030018.2); short protein forms M136V.
Identifiers: ClinVar variation 2775553 (VCV002775553.3), dbSNP rs772611737, ClinGen allele CA8234373.

ClinVar aggregate classification (germline): Uncertain significance (1 of 4 stars; one submission).

Allele frequency attached by ClinVar (database versions not stated): gnomAD exomes below 0.00001; TOPMed below 0.00001; ExAC 0.00001.

Submission:

Labcorp Genetics (formerly Invitae), Labcorp
Classification: Uncertain significance. Last evaluated: 2023-08-19. Review status: criteria provided, single submitter. Criteria: Invitae Variant Classification Sherloc (09022015). Collection method: clinical testing. Allele origin: germline.
Comment: In summary, the available evidence is currently insufficient to determine the role of this variant in disease. Therefore, it has been classified as a Variant of Uncertain Significance. This variant disrupts the p.Met136 amino acid residue in APRT. Other variant(s) that disrupt this residue have been determined to be pathogenic (PMID: 3343350, 21635362, 33707627). This suggests that this residue is clinically significant, and that variants that disrupt this residue are likely to be disease-causing. An algorithm developed to predict the effect of missense changes on protein structure and function (PolyPhen-2) suggests that this variant is likely to be disruptive. This variant has not been reported in the literature in individuals affected with APRT-related conditions. This variant is present in population databases (rs772611737, gnomAD 0.0009%). This sequence change replaces methionine, which is neutral and non-polar, with valine, which is neutral and non-polar, at codon 136 of the APRT protein (p.Met136Val).

Literature cited by the submitters: PubMed 3343350; PubMed 21635362; PubMed 33707627.